The following is an entry in ClinVar:

ClinVar aggregate classification (germline): Uncertain significance. Review status: criteria provided, multiple submitters, no conflicts (2 of 4 stars). 2 submissions from 2 submitters: Uncertain significance (2). Last evaluated 2025-10-13.

Conditions:
Early-infantile DEE. Also called: Ohtahara syndrome; Early infantile epileptic encephalopathy; Early infantile epileptic encephalopathy with suppression bursts. Identifiers: Orphanet 1934, MedGen C0393706, MONDO:0800491.

Allele frequency attached by ClinVar (database versions not stated): TOPMed below 0.00001; gnomAD 0.00002.
gnomAD v4.1: 10 of 1,613,752 alleles (0.00062%); highest among the groups gnomAD compares: Non-Finnish European, 0.00085%; no homozygotes.

Submissions (3):

Labcorp Genetics (formerly Invitae), Labcorp
Classification: Uncertain significance for Early-infantile DEE. Last evaluated: 2025-10-13. Review status: criteria provided, single submitter. Criteria: Invitae Variant Classification Sherloc (09022015). Collection method: clinical testing. Allele origin: germline.
Comment: This sequence change replaces threonine, which is neutral and polar, with isoleucine, which is neutral and non-polar, at codon 1934 of the SCN1A protein (p.Thr1934Ile). This variant is present in population databases (no rsID available, gnomAD 0.007%). This missense change has been observed in individuals with SCN1A-related conditions (PMID: 32581296; internal data). ClinVar contains an entry for this variant (Variation ID: 1310244). Invitae Evidence Modeling of protein sequence and biophysical properties (such as structural, functional, and spatial information, amino acid conservation, physicochemical variation, residue mobility, and thermodynamic stability) indicates that this missense variant is not expected to disrupt SCN1A protein function with a negative predictive value of 95%. Experimental studies have shown that this missense change affects SCN1A function (PMID: 32581296). In summary, the available evidence is currently insufficient to determine the role of this variant in disease. Therefore, it has been classified as a Variant of Uncertain Significance.

GeneDx
Classification: Uncertain significance. Last evaluated: 2023-05-21. Review status: criteria provided, single submitter. Criteria: GeneDx Variant Classification Process June 2021. Collection method: clinical testing. Allele origin: germline. Affected: yes.
Comment: This patient was also found to have a de novo pathogenic variant in the SMC1A gene (Kluckova et al., 2020); Not observed at significant frequency in large population cohorts (gnomAD); The majority of missense variants in this gene are considered pathogenic (HGMD); In silico analysis, which includes protein predictors and evolutionary conservation, supports that this variant does not alter protein structure/function; This substitution is predicted to be within the C-terminal cytoplasmic domain; This variant is associated with the following publications: (PMID: 35944423, 33841294, 32581296)

Channelopathy-Associated Epilepsy Research Center
No classification provided (evidence only). Condition: Severe myoclonic epilepsy in infancy. Review status: no classification provided. Collection method: literature only. Allele origin: not applicable. Functional consequence: Severe decrease in peak current, Normal voltage dependence of activation, Normal slope of activation, Normal voltage dependence of fast inactivation, Normal slope of fast inactivation, Normal persistent current, Mild-moderate slowing of recovery from fast inactivation, Overall loss-of-function effect with respect to biophysical channel activity. Not counted in ClinVar's aggregate classification.
ClinVar note: "not provided" was previously submitted as the classification for the variant. However, the classification appeared to be based only on an observation of functional data so it was converted to no classification on 2025-07-30.

Literature cited by the submitters: PubMed 32581296 (cited by Labcorp Genetics (formerly Invitae), Labcorp and Channelopathy-Associated Epilepsy Research Center).

NM_001165963.4(SCN1A):c.5801C>T (p.Thr1934Ile)

Genes: SCN1A (sodium voltage-gated channel alpha subunit 1; minus strand), LOC102724058 (uncharacterized LOC102724058; plus strand). Cytogenetic location: 2q24.3.
Variant type: single nucleotide variant.
Coding change: c.5801C>T on transcript NM_001165963.4 (MANE Select); coding-DNA position 5801, C replaced by T.
Protein change: p.Thr1934Ile; replaces threonine 1934 with isoleucine.
Molecular consequence: missense variant. On other transcripts: non-coding transcript variant (1).
Genome position (GRCh38, 1-based): chr2:165,991,474, G>A on the plus strand (C>T on the coding strand, the complement: SCN1A is on the minus strand). VCF-style: chr2-165991474-G-A. GRCh37 (hg19) VCF-style: chr2-166847984-G-A.
Other names: c.5717C>T, p.Thr1906Ile (NM_001165964.3, NM_001353957.2, NM_001353958.2); c.5801C>T, p.Thr1934Ile (NM_001202435.3, NM_001353948.2); c.5768C>T, p.Thr1923Ile (NM_001353949.2, NM_001353950.2, NM_001353951.2 and 2 more transcripts); c.5765C>T, p.Thr1922Ile (NM_001353954.2, NM_001353955.2); c.5714C>T, p.Thr1905Ile (NM_001353960.2); c.3359C>T, p.Thr1120Ile (NM_001353961.2); short protein forms T1120I, T1905I, T1906I, T1922I, T1923I, T1934I.
Identifiers: ClinVar variation 1310244 (VCV001310244.11), dbSNP rs1205848223, ClinGen allele CA349063774.